The following is an entry in ClinVar:

ClinVar aggregate classification (germline): Uncertain significance (0 of 4 stars; one submission).

Conditions:
TBC1D31-related disorder. Also called: TBC1D31-related condition.

Submission:

PreventionGenetics, part of Exact Sciences
Classification: Uncertain significance for TBC1D31-related condition. Last evaluated: 2024-03-28. Review status: no assertion criteria provided. Collection method: clinical testing. Allele origin: germline.
Comment: The TBC1D31 c.2183delA variant is predicted to result in a frameshift and premature protein termination (p.Gln728Argfs*24). To our knowledge, this variant has not been reported in the literature or in a large population database, indicating this variant is rare. At this time, the clinical significance of this variant is uncertain due to the absence of conclusive functional and genetic evidence.

NM_145647.4(TBC1D31):c.2183del (p.Gln728fs)

Gene: TBC1D31 (TBC1 domain family member 31; plus strand). Cytogenetic location: 8q24.13.
Variant type: Deletion.
Coding change: c.2183del on transcript NM_145647.4 (MANE Select); coding-DNA position 2183, one base deleted (A; older notation c.2183delA).
Protein change: p.Gln728fs; shifts the reading frame from glutamine 728.
Molecular consequence: frameshift variant.
Genome position (GRCh38, 1-based): chr8:123,129,131, A deleted. VCF-style (leftmost placement, unchanged base first): chr8-123129130-CA-C. GRCh37 (hg19) VCF-style: chr8-124141370-CA-C.
Other names: c.2183del, p.Gln728fs (NM_001145088.2, NM_001363148.1, NM_001363150.1 and 1 more transcripts); c.1868del, p.Gln623fs (NM_001330606.2, NM_001363152.1, NM_001363154.1 and 1 more transcripts); c.2153del, p.Gln718fs (NM_001363149.1); c.1946del, p.Gln649fs (NM_001363153.1); c.683del, p.Gln228fs (NM_001363156.1); short protein forms Q228fs, Q623fs, Q649fs, Q718fs, Q728fs.
Identifiers: ClinVar variation 3348798 (VCV003348798.1).